The following is an entry in ClinVar:

ClinVar aggregate classification (germline): Uncertain significance. Review status: criteria provided, multiple submitters, no conflicts (2 of 4 stars). 2 submissions from 2 submitters: Uncertain significance (2). Last evaluated 2024-12-22.

Conditions:
Inborn genetic diseases. Identifiers: MedGen C0950123, MeSH D030342.
Febrile seizures, familial, 8 (FEB8). Also called: CONVULSIONS, FAMILIAL FEBRILE, 8. Identifiers: Orphanet 36387, MedGen C1969810, MONDO:0011891, OMIM 607681.
EPILEPSY, CHILDHOOD ABSENCE, SUSCEPTIBILITY TO, 2 (ECA2). Identifiers: Orphanet 64280, MedGen C1843244, OMIM 607681.

Allele frequency attached by ClinVar (database versions not stated): gnomAD exomes below 0.00001; TOPMed below 0.00001; gnomAD 0.00001.
gnomAD v4.1: 2 of 1,614,000 alleles (0.00012%); highest among the groups gnomAD compares: Middle Eastern, 0.016%; no homozygotes.

Submissions (2):

Labcorp Genetics (formerly Invitae), Labcorp
Classification: Uncertain significance for Febrile seizures, familial, 8; EPILEPSY, CHILDHOOD ABSENCE, SUSCEPTIBILITY TO, 2. Last evaluated: 2024-12-22. Review status: criteria provided, single submitter. Criteria: Invitae Variant Classification Sherloc (09022015). Collection method: clinical testing. Allele origin: germline.
Comment: This sequence change replaces histidine, which is basic and polar, with arginine, which is basic and polar, at codon 431 of the GABRG2 protein (p.His431Arg). This variant is not present in population databases (gnomAD no frequency). This variant has not been reported in the literature in individuals affected with GABRG2-related conditions. ClinVar contains an entry for this variant (Variation ID: 3097852). Invitae Evidence Modeling of protein sequence and biophysical properties (such as structural, functional, and spatial information, amino acid conservation, physicochemical variation, residue mobility, and thermodynamic stability) indicates that this missense variant is not expected to disrupt GABRG2 protein function with a negative predictive value of 95%. In summary, the available evidence is currently insufficient to determine the role of this variant in disease. Therefore, it has been classified as a Variant of Uncertain Significance.

Ambry Genetics
Classification: Uncertain significance for Inborn genetic diseases. Last evaluated: 2024-05-02. Review status: criteria provided, single submitter. Criteria: Ambry Variant Classification Scheme 2023. Collection method: clinical testing. Allele origin: germline.
Comment: The c.1292A>G (p.H431R) alteration is located in exon 9 (coding exon 9) of the GABRG2 gene. This alteration results from a A to G substitution at nucleotide position 1292, causing the histidine (H) at amino acid position 431 to be replaced by an arginine (R). This variant was not reported in population-based cohorts in the Genome Aggregation Database (gnomAD). This amino acid position is well conserved in available vertebrate species. The in silico prediction for this alteration is inconclusive. Based on insufficient or conflicting evidence, the clinical significance of this alteration remains unclear.

NM_198904.4(GABRG2):c.1316A>G (p.His439Arg)

Gene: GABRG2 (gamma-aminobutyric acid type A receptor subunit gamma2; plus strand). Cytogenetic location: 5q34.
Variant type: single nucleotide variant.
Coding change: c.1316A>G on transcript NM_198904.4 (MANE Select); coding-DNA position 1316, A replaced by G.
Protein change: p.His439Arg; replaces histidine 439 with arginine.
Molecular consequence: missense variant. On other transcripts: 3 prime UTR variant (1).
Genome position (GRCh38, 1-based): chr5:162,153,256, A>G. VCF-style: chr5-162153256-A-G. GRCh37 (hg19) VCF-style: chr5-161580262-A-G.
Other names: c.1292A>G, p.His431Arg (NM_000816.3); c.1307A>G, p.His436Arg (NM_001375339.1); c.*150A>G (NM_001375340.1); c.1313A>G, p.His438Arg (NM_001375341.1); c.1289A>G, p.His430Arg (NM_001375342.1); c.1412A>G, p.His471Arg (NM_001375343.1); c.1355A>G, p.His452Arg (NM_001375344.1); c.1226A>G, p.His409Arg (NM_001375345.1); and 6 more; short protein forms H409R, H431R, H438R, H471R, H299R, H417R, H430R, H436R.
Identifiers: ClinVar variation 3097852 (VCV003097852.4), dbSNP rs772194057, ClinGen allele CA362183789.